The following is an entry in ClinVar:

ClinVar aggregate classification (germline): Uncertain significance (1 of 4 stars; one submission).

Conditions:
Autoinflammatory syndrome, familial, X-linked, Behcet-like 2. Also called: DEFICIENCY IN ELF4, X-LINKED. Identifiers: Orphanet 676125, MedGen C5575495, MONDO:0024770, OMIM 301074.

Submission:

MVZ Medizinische Genetik Mainz
Classification: Uncertain significance for Autoinflammatory syndrome, familial, X-linked, Behcet-like 2. Last evaluated: 2026-06-18. Review status: criteria provided, single submitter. Criteria: UK Practice Guidelines For Variant Classification V4 01 2020. Collection method: clinical testing. Allele origin: germline. Inheritance: Autosomal dominant inheritance. Affected: yes. Observed: 1 variant allele.
Comment: ACMG Criteria: PP3_MOD,PM2_SUP,PP2

NM_001421.4(ELF4):c.838A>G (p.Lys280Glu)

Gene: ELF4 (E74 like ETS transcription factor 4; minus strand). Cytogenetic location: Xq26.1.
Variant type: single nucleotide variant.
Coding change: c.838A>G on transcript NM_001421.4 (MANE Select); coding-DNA position 838, A replaced by G.
Protein change: p.Lys280Glu; replaces lysine 280 with glutamic acid.
Molecular consequence: missense variant.
Genome position (GRCh38, 1-based): chrX:130,069,649, T>C on the plus strand (A>G on the coding strand, the complement: ELF4 is on the minus strand). VCF-style: chrX-130069649-T-C. GRCh37 (hg19) VCF-style: chrX-129203624-T-C.
Other names: c.838A>G, p.Lys280Glu (NM_001127197.2, NM_001440765.1, NM_001440766.1); short protein forms K280E.
Identifiers: ClinVar variation 4879858 (VCV004879858.1).